The following is an entry in ClinVar:

ClinVar aggregate classification (germline): Uncertain significance (1 of 4 stars; one submission).

Submission:

Ambry Genetics
Classification: Uncertain significance. Last evaluated: 2025-01-23. Review status: criteria provided, single submitter. Criteria: Ambry Variant Classification Scheme 2023. Collection method: clinical testing. Allele origin: germline.
Comment: The p.S480I variant (also known as c.1439G>T), located in coding exon 8 of the ATRIP gene, results from a G to T substitution at nucleotide position 1439. The serine at codon 480 is replaced by isoleucine, an amino acid with dissimilar properties. This amino acid position is conserved. In addition, this alteration is predicted to be tolerated by in silico analysis. Based on the available evidence, the clinical significance of this variant remains unclear.

NM_130384.3(ATRIP):c.1439G>T (p.Ser480Ile)

Genes: ATRIP (ATR interacting protein; plus strand), ATRIP-TREX1 (ATRIP-TREX1 readthrough; plus strand). Cytogenetic location: 3p21.31.
Variant type: single nucleotide variant.
Coding change: c.1439G>T on transcript NM_130384.3 (MANE Select); coding-DNA position 1439, G replaced by T.
Protein change: p.Ser480Ile; replaces serine 480 with isoleucine.
Molecular consequence: missense variant. On other transcripts: non-coding transcript variant (1).
Genome position (GRCh38, 1-based): chr3:48,460,493, G>T. VCF-style: chr3-48460493-G-T. GRCh37 (hg19) VCF-style: chr3-48501892-G-T.
Other names: c.1058G>T, p.Ser353Ile (NM_001271022.2); c.1160G>T, p.Ser387Ile (NM_001271023.2); c.1439G>T, p.Ser480Ile (NM_032166.4); short protein forms S387I, S480I, S353I.
Identifiers: ClinVar variation 3810078 (VCV003810078.1).